The following is an entry in ClinVar:

ClinVar aggregate classification (germline): Uncertain significance. Review status: criteria provided, multiple submitters, no conflicts (2 of 4 stars). 5 submissions from 5 submitters: Uncertain significance (5). Last evaluated 2024-02-16.

Conditions:
Fanconi anemia (FA). Also called: Fanconi's anemia. Identifiers: Orphanet 84, MedGen C0015625, MeSH D005199, MONDO:0019391.
Spermatogenic failure 28. Identifiers: MedGen C4748117, MONDO:0054732, OMIM 618086.
Premature ovarian failure 15. Identifiers: MedGen C4748170, MONDO:0054862, OMIM 618096.

Allele frequency attached by ClinVar (database versions not stated): gnomAD exomes 0.00001 and 0.00003; ExAC 0.00003; gnomAD 0.00004; TOPMed 0.00004; ESP Exome Variant Server 0.00015.
gnomAD v4.1: 14 of 1,613,358 alleles (0.00087%); highest among the groups gnomAD compares: African/African-American, 0.016%; no homozygotes.

Submissions (5):

GeneDx
Classification: Uncertain significance. Last evaluated: 2024-02-16. Review status: criteria provided, single submitter. Criteria: GeneDx Variant Classification Process June 2021. Collection method: clinical testing. Allele origin: germline. Affected: yes.
Comment: In silico analysis supports that this missense variant does not alter protein structure/function; Has not been previously published as pathogenic or benign to our knowledge

Labcorp Genetics (formerly Invitae), Labcorp
Classification: Uncertain significance for Fanconi anemia. Last evaluated: 2023-10-05. Review status: criteria provided, single submitter. Criteria: Invitae Variant Classification Sherloc (09022015). Collection method: clinical testing. Allele origin: germline.
Comment: This sequence change replaces leucine, which is neutral and non-polar, with phenylalanine, which is neutral and non-polar, at codon 1049 of the FANCM protein (p.Leu1049Phe). This variant is present in population databases (rs147299864, gnomAD 0.03%). This variant has not been reported in the literature in individuals affected with FANCM-related conditions. ClinVar contains an entry for this variant (Variation ID: 944940). An algorithm developed to predict the effect of missense changes on protein structure and function (PolyPhen-2) suggests that this variant is likely to be disruptive. In summary, the available evidence is currently insufficient to determine the role of this variant in disease. Therefore, it has been classified as a Variant of Uncertain Significance.

Quest Diagnostics Nichols Institute San Juan Capistrano
Classification: Uncertain significance. Last evaluated: 2022-11-14. Review status: criteria provided, single submitter. Criteria: Quest Diagnostics criteria. Collection method: clinical testing. Allele origin: unknown.
Comment: The variant has not been reported in the published literature. The frequency of this variant in the general population, 0.00037 (6/16008 chromosomes), is uninformative in assessment of its pathogenicity. Analysis of this variant using bioinformatics tools for the prediction of the effect of amino acid changes on protein structure and function yielded conflicting predictions that this variant is benign or damaging. Based on the available information, we are unable to determine the clinical significance of this variant.

Fulgent Genetics
Classification: Uncertain significance for Spermatogenic failure 28; Premature ovarian failure 15. Last evaluated: 2022-04-12. Review status: criteria provided, single submitter. Criteria: ACMG Guidelines, 2015. Collection method: clinical testing. Allele origin: unknown.

Baylor Genetics
Classification: Uncertain significance for Spermatogenic failure 28. Last evaluated: 2021-06-04. Review status: criteria provided, single submitter. Criteria: ACMG Guidelines, 2015. Collection method: clinical testing. Allele origin: unknown. Affected: yes. Study: CSER-TexasKidsCanSeq.
Comment: This variant was determined to be of uncertain significance according to ACMG Guidelines, 2015 [PMID:25741868].

NM_020937.4(FANCM):c.3147A>C (p.Leu1049Phe)

Gene: FANCM (FA complementation group M; plus strand). Cytogenetic location: 14q21.2.
Variant type: single nucleotide variant.
Coding change: c.3147A>C on transcript NM_020937.4 (MANE Select); coding-DNA position 3147, A replaced by C.
Protein change: p.Leu1049Phe; replaces leucine 1049 with phenylalanine.
Molecular consequence: missense variant.
Genome position (GRCh38, 1-based): chr14:45,175,901, A>C. VCF-style: chr14-45175901-A-C. GRCh37 (hg19) VCF-style: chr14-45645104-A-C.
Other names: c.3069A>C, p.Leu1023Phe (NM_001308133.2); short protein forms L1023F, L1049F.
Identifiers: ClinVar variation 944940 (VCV000944940.14), dbSNP rs147299864, ClinGen allele CA7169473.